The following is an entry in ClinVar:

NM_000548.5(TSC2):c.423G>T (p.Glu141Asp)

Gene: TSC2 (TSC complex subunit 2; plus strand). Cytogenetic location: 16p13.3.
Variant type: single nucleotide variant.
Coding change: c.423G>T on transcript NM_000548.5 (MANE Select); coding-DNA position 423, G replaced by T.
Protein change: p.Glu141Asp; replaces glutamic acid 141 with aspartic acid.
Molecular consequence: missense variant. On other transcripts: 5 prime UTR variant (14), non-coding transcript variant (5), intron variant (6).
Genome position (GRCh38, 1-based): chr16:2,054,382, G>T. VCF-style: chr16-2054382-G-T. GRCh37 (hg19) VCF-style: chr16-2104383-G-T.
Other names: c.312G>T, p.Glu104Asp (NM_001406670.1, NM_001406678.1, NM_001318827.2); c.423G>T, p.Glu141Asp (NM_001406671.1, NM_001406673.1, NM_001077183.3 and 8 more transcripts); c.276G>T, p.Glu92Asp (NM_001406675.1, NM_001406676.1, NM_001406679.1 and 1 more transcripts); c.366G>T, p.Glu122Asp (NM_001406677.1); c.-394G>T (NM_001406680.1, NM_001406683.1, NM_001406687.1); c.-23G>T (NM_001406681.1); c.456G>T, p.Glu152Asp (NM_001318832.2); c.513G>T, p.Glu171Asp (NM_001406667.1, NM_001406668.1); and 6 more; short protein forms E122D, E92D, E152D, E104D, E141D, E171D.
Identifiers: ClinVar variation 4774586 (VCV004774586.1).

ClinVar aggregate classification (germline): Uncertain significance (1 of 4 stars; one submission).

Conditions:
Tuberous sclerosis 2 (TSC2). Identifiers: Orphanet 805, MedGen C1860707, MONDO:0013199, OMIM 613254.

Submission:

Labcorp Genetics (formerly Invitae), Labcorp
Classification: Uncertain significance for Tuberous sclerosis 2. Last evaluated: 2025-05-05. Review status: criteria provided, single submitter. Criteria: Invitae Variant Classification Sherloc (09022015). Collection method: clinical testing. Allele origin: germline.
Comment: This sequence change replaces glutamic acid, which is acidic and polar, with aspartic acid, which is acidic and polar, at codon 141 of the TSC2 protein (p.Glu141Asp). This variant is not present in population databases (gnomAD no frequency). This variant has not been reported in the literature in individuals affected with TSC2-related conditions. Invitae Evidence Modeling of protein sequence and biophysical properties (such as structural, functional, and spatial information, amino acid conservation, physicochemical variation, residue mobility, and thermodynamic stability) indicates that this missense variant is not expected to disrupt TSC2 protein function with a negative predictive value of 95%. In summary, the available evidence is currently insufficient to determine the role of this variant in disease. Therefore, it has been classified as a Variant of Uncertain Significance.